The following is an entry in ClinVar:

NM_000539.3(RHO):c.783C>A (p.Phe261Leu)

Gene: RHO (rhodopsin; plus strand). Cytogenetic location: 3q22.1.
Variant type: single nucleotide variant.
Coding change: c.783C>A on transcript NM_000539.3 (MANE Select); coding-DNA position 783, C replaced by A.
Protein change: p.Phe261Leu; replaces phenylalanine 261 with leucine.
Molecular consequence: missense variant.
Genome position (GRCh38, 1-based): chr3:129,532,619, C>A. VCF-style: chr3-129532619-C-A. GRCh37 (hg19) VCF-style: chr3-129251462-C-A.
Other names: short protein forms F261L.
Identifiers: ClinVar variation 1370892 (VCV001370892.7), dbSNP rs199583468, ClinGen allele CA2607288.

ClinVar aggregate classification (germline): Uncertain significance. Review status: criteria provided, multiple submitters, no conflicts (2 of 4 stars). 2 submissions from 2 submitters: Uncertain significance (2). Last evaluated 2023-11-17.

Allele frequency attached by ClinVar (database versions not stated): gnomAD 0.00001; gnomAD exomes 0.00001 and 0.00003; ExAC 0.00003.

Submissions (2):

Labcorp Genetics (formerly Invitae), Labcorp
Classification: Uncertain significance. Last evaluated: 2023-11-17. Review status: criteria provided, single submitter. Criteria: Invitae Variant Classification Sherloc (09022015). Collection method: clinical testing. Allele origin: germline.
Comment: This sequence change replaces phenylalanine, which is neutral and non-polar, with leucine, which is neutral and non-polar, at codon 261 of the RHO protein (p.Phe261Leu). This variant is present in population databases (rs199583468, gnomAD 0.08%). This variant has not been reported in the literature in individuals affected with RHO-related conditions. ClinVar contains an entry for this variant (Variation ID: 1370892). Advanced modeling of protein sequence and biophysical properties (such as structural, functional, and spatial information, amino acid conservation, physicochemical variation, residue mobility, and thermodynamic stability) performed at Invitae indicates that this missense variant is expected to disrupt RHO protein function with a positive predictive value of 80%. In summary, the available evidence is currently insufficient to determine the role of this variant in disease. Therefore, it has been classified as a Variant of Uncertain Significance.

Blueprint Genetics
Classification: Uncertain significance. Last evaluated: 2022-10-21. Review status: criteria provided, single submitter. Criteria: ACMG Guidelines, 2015. Collection method: clinical testing. Allele origin: germline.